The following is an entry in ClinVar:

NM_000465.4(BARD1):c.1816C>T (p.His606Tyr)

Gene: BARD1 (BRCA1 associated RING domain 1; minus strand). Cytogenetic location: 2q35.
Variant type: single nucleotide variant.
Coding change: c.1816C>T on transcript NM_000465.4 (MANE Select); coding-DNA position 1816, C replaced by T.
Protein change: p.His606Tyr; replaces histidine 606 with tyrosine.
Molecular consequence: missense variant. On other transcripts: non-coding transcript variant (3), intron variant (1).
Genome position (GRCh38, 1-based): chr2:214,745,154, G>A on the plus strand (C>T on the coding strand, the complement: BARD1 is on the minus strand). VCF-style: chr2-214745154-G-A. GRCh37 (hg19) VCF-style: chr2-215609878-G-A.
Other names: c.1816C>T (NM_000465.2); c.1759C>T, p.His587Tyr (NM_001282543.2); c.463C>T, p.His155Tyr (NM_001282545.2); c.406C>T, p.His136Tyr (NM_001282548.2); c.365-14646C>T (NM_001282549.2); short protein forms H606Y, H155Y, H136Y, H587Y.
Identifiers: ClinVar variation 584630 (VCV000584630.4), dbSNP rs1559386300, ClinGen allele CA350452365.
Genomic context (GRCh38, chr2:214,745,154, plus strand): 5'-TGAGAATCCCAAGCATACACTTCAAGGTACTTTGAACTGCATCACCAGGAACAACAACAT[G>A]AGTTACTAAAATACAAAAAAAGCAGTAAGAGAAAGAAAGATACAAGCCAAAGTATTTCTT-3'
Protein context (NP_000456.2, residues 596-616): KYTEFDSTVT[His606Tyr]VVVPGDAVQS

ClinVar aggregate classification (germline): Uncertain significance. Review status: criteria provided, multiple submitters, no conflicts (2 of 4 stars). 2 submissions from 2 submitters: Uncertain significance (2). Last evaluated 2023-03-08.

Conditions:
Familial cancer of breast. Also called: Hereditary breast cancer; hereditary breast carcinoma; BREAST CANCER, FAMILIAL. Identifiers: Orphanet 227535, MedGen C0346153, MONDO:0016419, OMIM 114480. Disease mechanism: loss of function.

Submissions (2):

GeneDx
Classification: Uncertain significance. Last evaluated: 2023-03-08. Review status: criteria provided, single submitter. Criteria: GeneDx Variant Classification Process June 2021. Collection method: clinical testing. Allele origin: germline. Affected: yes.
Comment: Not observed at significant frequency in large population cohorts (gnomAD); In silico analysis supports that this missense variant has a deleterious effect on protein structure/function; Has not been previously published as pathogenic or benign to our knowledge; This variant is associated with the following publications: (PMID: 17550235)

Mendelics
Classification: Uncertain significance for Familial cancer of breast. Last evaluated: 2018-07-02. Review status: criteria provided, single submitter. Criteria: Mendelics Assertion Criteria 2017. Collection method: clinical testing. Allele origin: unknown.